The following is an entry in ClinVar:

NM_000081.4(LYST):c.8411G>A (p.Gly2804Asp)

Gene: LYST (lysosomal trafficking regulator; minus strand). Cytogenetic location: 1q42.3.
Variant type: single nucleotide variant.
Coding change: c.8411G>A on transcript NM_000081.4 (MANE Select); coding-DNA position 8411, G replaced by A.
Protein change: p.Gly2804Asp; replaces glycine 2804 with aspartic acid.
Molecular consequence: missense variant.
Genome position (GRCh38, 1-based): chr1:235,734,607, C>T on the plus strand (G>A on the coding strand, the complement: LYST is on the minus strand). VCF-style: chr1-235734607-C-T. GRCh37 (hg19) VCF-style: chr1-235897907-C-T.
Other names: c.8411G>A (NM_000081.2); c.8411G>A, p.Gly2804Asp (NM_001301365.1); short protein forms G2804D.
Identifiers: ClinVar variation 254941 (VCV000254941.23), dbSNP rs35333195, ClinGen allele CA1465862.

ClinVar aggregate classification (germline): Benign. Review status: criteria provided, multiple submitters, no conflicts (2 of 4 stars). 9 submissions from 9 submitters: Benign (7). 2 of the submissions do not count toward it. Last evaluated 2026-02-04.

Conditions:
Autoinflammatory syndrome. Identifiers: Orphanet 93665, MedGen C3890737, MONDO:0019751.
Chédiak-Higashi syndrome (CHS). Also called: Chediak-Higashi Syndrome. Identifiers: Orphanet 167, MedGen C0007965, MONDO:0008963, OMIM 214500.

Allele frequency attached by ClinVar (database versions not stated): gnomAD exomes 0.01008 and 0.00370; ExAC 0.01239; gnomAD 0.03769 and 0.04044; ESP Exome Variant Server 0.04098; TOPMed 0.04322; 1000 Genomes Project 0.04433; 1000 Genomes Project 30x 0.04669.
gnomAD v4.1: 11,455 of 1,612,852 alleles (0.71%); highest among the groups gnomAD compares: African/African-American, 13%; 680 homozygotes.

Submissions (9):

Labcorp Genetics (formerly Invitae), Labcorp
Classification: Benign for Chédiak-Higashi syndrome. Last evaluated: 2026-02-04. Review status: criteria provided, single submitter. Criteria: Invitae Variant Classification Sherloc (09022015). Collection method: clinical testing. Allele origin: germline.

Mayo Clinic Laboratories, Mayo Clinic
Classification: Benign. Last evaluated: 2023-09-24. Review status: criteria provided, single submitter. Criteria: ACMG Guidelines, 2015. Collection method: clinical testing. Allele origin: germline. Observed: 71 variant alleles.

Genome Diagnostics Laboratory, The Hospital for Sick Children
Classification: Benign for Autoinflammatory syndrome. Last evaluated: 2022-02-25. Review status: criteria provided, single submitter. Criteria: ACMG Guidelines, 2015. Collection method: clinical testing. Allele origin: germline. Affected: yes.

GeneDx
Classification: Benign. Last evaluated: 2019-07-14. Review status: criteria provided, single submitter. Criteria: GeneDx Variant Classification Process June 2021. Collection method: clinical testing. Allele origin: germline. Affected: yes.

Illumina Laboratory Services, Illumina
Classification: Benign for Chédiak-Higashi syndrome. Last evaluated: 2018-01-12. Review status: criteria provided, single submitter. Criteria: ICSL Variant Classification Criteria 13 December 2019. Collection method: clinical testing. Allele origin: germline.
Comment: This variant was observed in the ICSL laboratory as part of a predisposition screen in an ostensibly healthy population. It had not been previously curated by ICSL or reported in the Human Gene Mutation Database (HGMD: prior to June 1st, 2018), and was therefore a candidate for classification through an automated scoring system. Utilizing variant allele frequency, disease prevalence and penetrance estimates, and inheritance mode, an automated score was calculated to assess if this variant is too frequent to cause the disease. Based on the score and internal cut-off values, a variant classified as benign is not then subjected to further curation. The score for this variant resulted in a classification of benign for this disease.

Breakthrough Genomics
Classification: Benign. Review status: criteria provided, single submitter. Criteria: ACMG Guidelines, 2015. Collection method: not provided. Allele origin: germline. Inheritance: Autosomal recessive inheritance. Affected: yes.

PreventionGenetics, part of Exact Sciences
Classification: Benign. Review status: criteria provided, single submitter. Criteria: ACMG Guidelines, 2015. Collection method: clinical testing. Allele origin: germline.

Genome Diagnostics Laboratory, University Medical Center Utrecht
Classification: Benign. Review status: no assertion criteria provided. Collection method: clinical testing. Allele origin: germline. Affected: yes. Study: VKGL Data-share Consensus. Not counted in ClinVar's aggregate classification.

Laboratory of Diagnostic Genome Analysis, Leiden University Medical Center (LUMC)
Classification: Benign. Review status: no assertion criteria provided. Collection method: clinical testing. Allele origin: germline. Affected: yes. Study: VKGL Data-share Consensus. Not counted in ClinVar's aggregate classification.